The following is an entry in ClinVar:

ClinVar aggregate classification (germline): Uncertain significance (1 of 4 stars; one submission).

Allele frequency attached by ClinVar (database versions not stated): gnomAD 0.00001.
gnomAD v4.1: 14 of 1,613,948 alleles (0.00087%); highest among the groups gnomAD compares: Middle Eastern, 0.049%; 1 homozygote.

Submission:

Labcorp Genetics (formerly Invitae), Labcorp
Classification: Uncertain significance. Last evaluated: 2025-10-17. Review status: criteria provided, single submitter. Criteria: Invitae Variant Classification Sherloc (09022015). Collection method: clinical testing. Allele origin: germline.
Comment: This sequence change replaces isoleucine, which is neutral and non-polar, with leucine, which is neutral and non-polar, at codon 326 of the TFAP2B protein (p.Ile326Leu). This variant is present in population databases (rs766157125, gnomAD 0.02%). This variant has not been reported in the literature in individuals affected with TFAP2B-related conditions. ClinVar contains an entry for this variant (Variation ID: 2906251). Invitae Evidence Modeling of protein sequence and biophysical properties (such as structural, functional, and spatial information, amino acid conservation, physicochemical variation, residue mobility, and thermodynamic stability) indicates that this missense variant is not expected to disrupt TFAP2B protein function with a negative predictive value of 80%. In summary, the available evidence is currently insufficient to determine the role of this variant in disease. Therefore, it has been classified as a Variant of Uncertain Significance.

NM_003221.4(TFAP2B):c.976A>C (p.Ile326Leu)

Gene: TFAP2B (transcription factor AP-2 beta; plus strand). Cytogenetic location: 6p12.3.
Variant type: single nucleotide variant.
Coding change: c.976A>C on transcript NM_003221.4 (MANE Select); coding-DNA position 976, A replaced by C.
Protein change: p.Ile326Leu; replaces isoleucine 326 with leucine.
Molecular consequence: missense variant.
Genome position (GRCh38, 1-based): chr6:50,840,191, A>C. VCF-style: chr6-50840191-A-C. GRCh37 (hg19) VCF-style: chr6-50807904-A-C.
Other names: short protein forms I326L.
Identifiers: ClinVar variation 2906251 (VCV002906251.3), dbSNP rs766157125, ClinGen allele CA3850483.